The following is an entry in ClinVar:

ClinVar aggregate classification (germline): Uncertain significance (1 of 4 stars; one submission).

Submission:

GeneDx
Classification: Uncertain significance. Last evaluated: 2021-04-08. Review status: criteria provided, single submitter. Criteria: GeneDx Variant Classification Process June 2021. Collection method: clinical testing. Allele origin: germline. Affected: yes.
Comment: Not observed in large population cohorts (Lek et al., 2016); In silico analysis supports that this missense variant does not alter protein structure/function; Has not been previously published as pathogenic or benign to our knowledge

NM_001127178.3(PIGG):c.2818T>A (p.Ser940Thr)

Gene: PIGG (phosphatidylinositol glycan anchor biosynthesis class G (EMM blood group); plus strand). Cytogenetic location: 4p16.3.
Variant type: single nucleotide variant.
Coding change: c.2818T>A on transcript NM_001127178.3 (MANE Select); coding-DNA position 2818, T replaced by A.
Protein change: p.Ser940Thr; replaces serine 940 with threonine.
Molecular consequence: missense variant. On other transcripts: non-coding transcript variant (10).
Genome position (GRCh38, 1-based): chr4:539,235, T>A. VCF-style: chr4-539235-T-A. GRCh37 (hg19) VCF-style: chr4-533024-T-A.
Other names: c.2551T>A, p.Ser851Thr (NM_001289051.2, NM_001345986.2); c.2419T>A, p.Ser807Thr (NM_001289052.2); c.2527T>A, p.Ser843Thr (NM_001345987.2); c.1789T>A, p.Ser597Thr (NM_001345988.2); c.1285T>A, p.Ser429Thr (NM_001345990.2, NM_001345991.2); c.1720T>A, p.Ser574Thr (NM_001345994.2); c.2794T>A, p.Ser932Thr (NM_017733.5); short protein forms S429T, S574T, S597T, S807T, S843T, S851T, S932T, S940T.
Identifiers: ClinVar variation 1314565 (VCV001314565.2), dbSNP rs1553903178, ClinGen allele CA355913444.
Genomic context (GRCh38, chr4:539,235, plus strand): 5'-TGCTTCTGCTACGCACTGATTTGTTCTATTCCAGTTTTCACGTACATCGTTTTGGTGACA[T>A]CTCTGCGTTATCATTTATTTATATGGAGTGTATTTTCTCCAAAACTTCTCTACGAGGGAA-3'
Protein context (NP_001120650.1, residues 930-950): PVFTYIVLVT[Ser940Thr]LRYHLFIWSV